The following is an entry in ClinVar:

NM_000548.5(TSC2):c.291_299del (p.Arg98_Ala100del)

Gene: TSC2 (TSC complex subunit 2; plus strand). Cytogenetic location: 16p13.3.
Variant type: Deletion.
Coding change: c.291_299del on transcript NM_000548.5 (MANE Select); coding-DNA positions 291 to 299, 9 bases deleted (CCGGCACGC; older notation c.291_299delCCGGCACGC).
Protein change: p.Arg98_Ala100del.
Molecular consequence: inframe deletion. On other transcripts: 5 prime UTR variant (14), non-coding transcript variant (5), intron variant (9).
Genome position (GRCh38, 1-based): chr16:2,053,407-2,053,415, CCGGCACGC deleted; deleting any 9 consecutive bases within chr16:2,053,405-2,053,415 gives the same sequence; the c. name uses the placement nearest the transcript's 3' end. VCF-style (leftmost placement, unchanged base first): chr16-2053404-GGCCCGGCAC-G. GRCh37 (hg19) VCF-style: chr16-2103405-GGCCCGGCAC-G.
Other names: c.291_299del, p.Arg98_Ala100del (NM_001077183.3, NM_001114382.3, NM_001363528.2 and 10 more transcripts); c.144_152del, p.Arg49_Ala51del (NM_001318829.2, NM_001406675.1, NM_001406676.1 and 2 more transcripts); c.324_332del, p.Arg109_Ala111del (NM_001318832.2); c.-526_-518del (NM_001406680.1, NM_001406683.1, NM_001406687.1); c.-155_-147del (NM_001406681.1); c.-1141_-1133del (NM_001406689.1, NM_001406690.1, NM_001406691.1 and 2 more transcripts); c.-1447_-1439del (NM_001406693.1); c.-1022_-1014del (NM_001406694.1, NM_001406695.1); and 4 more.
Identifiers: ClinVar variation 2632786 (VCV002632786.1), dbSNP rs2548397922, ClinGen allele CA2695197409.

ClinVar aggregate classification (germline): Uncertain significance (1 of 4 stars; one submission).

Conditions:
TSC2-related disorder. Also called: TSC2-Related Disorders; TSC2-related condition.

Submission:

PreventionGenetics, part of Exact Sciences
Classification: Uncertain significance for TSC2-related condition. Last evaluated: 2023-04-24. Review status: criteria provided, single submitter. Criteria: ACMG Guidelines, 2015. Collection method: clinical testing. Allele origin: germline.
Comment: The TSC2 c.291_299del9 variant is predicted to result in an in-frame deletion (p.Arg98_Ala100del). To our knowledge, this variant has not been reported in the literature or in a large population database, indicating this variant is rare. At this time, the clinical significance of this variant is uncertain due to the absence of conclusive functional and genetic evidence.